The following is an entry in ClinVar:

ClinVar aggregate classification (germline): Pathogenic. Review status: criteria provided, multiple submitters, no conflicts (2 of 4 stars). 2 submissions from 2 submitters: Pathogenic (2). Last evaluated 2022-09-24.

Conditions:
Duchenne muscular dystrophy (DMD). Also called: Duchenne Muscular Dystrophy (DMD); MUSCULAR DYSTROPHY, PSEUDOHYPERTROPHIC PROGRESSIVE, DUCHENNE TYPE. Identifiers: Orphanet 98896, MedGen C0013264, MONDO:0010679, OMIM 310200.

Submissions (2):

Labcorp Genetics (formerly Invitae), Labcorp
Classification: Pathogenic for Duchenne muscular dystrophy. Last evaluated: 2022-09-24. Review status: criteria provided, single submitter. Criteria: Invitae Variant Classification Sherloc (09022015). Collection method: clinical testing. Allele origin: germline.
Comment: This sequence change affects a donor splice site in intron 19 of the DMD gene. RNA analysis indicates that disruption of this splice site induces altered splicing and may result in an absent or disrupted protein product. This variant is not present in population databases (gnomAD no frequency). Disruption of this splice site has been observed in individual(s) with Duchenne muscular dystrophy (PMID: 25007885). In at least one individual the variant was observed to be de novo. ClinVar contains an entry for this variant (Variation ID: 94505). Studies have shown that disruption of this splice site results in skipping of exon 19 and introduces a premature termination codon (PMID: 25007885). The resulting mRNA is expected to undergo nonsense-mediated decay. For these reasons, this variant has been classified as Pathogenic.

Eurofins Ntd Llc (ga)
Classification: Pathogenic. Last evaluated: 2012-11-01. Review status: criteria provided, single submitter. Criteria: EGL Classification Definitions 2015. Collection method: clinical testing. Allele origin: germline. Observed: 1 variant allele, 1 hemizygote.

Literature cited by the submitters: PubMed 25007885 (cited by Labcorp Genetics (formerly Invitae), Labcorp).

NM_004006.3(DMD):c.2380+1G>C

Gene: DMD (dystrophin; minus strand). Cytogenetic location: Xp21.1.
Variant type: single nucleotide variant.
Coding change: c.2380+1G>C on transcript NM_004006.3 (MANE Select); the canonical splice donor site of the intron after coding-DNA position 2380, G replaced by C.
Molecular consequence: splice donor variant.
Genome position (GRCh38, 1-based): chrX:32,501,754, C>G on the plus strand (G>C on the coding strand, the complement: DMD is on the minus strand). VCF-style: chrX-32501754-C-G. GRCh37 (hg19) VCF-style: chrX-32519871-C-G.
Other names: c.2356+1G>C (NM_000109.4); c.2368+1G>C (NM_004009.3); c.2011+1G>C (NM_004010.3).
Identifiers: ClinVar variation 94505 (VCV000094505.10), dbSNP rs398123884, ClinGen allele CA266931.